The following is an entry in ClinVar:

ClinVar aggregate classification (germline): Uncertain significance. Review status: criteria provided, multiple submitters, no conflicts (2 of 4 stars). 2 submissions from 2 submitters: Uncertain significance (2). Last evaluated 2026-07-28.

Conditions:
SEMA3A-related disorder. Also called: SEMA3A-related condition.

Allele frequency attached by ClinVar (database versions not stated): gnomAD 0.00001; TOPMed 0.00001.
gnomAD v4.1: 19 of 1,613,294 alleles (0.0012%); highest among the groups gnomAD compares: Admixed American, 0.03%; no homozygotes.

Submissions (2):

PreventionGenetics, part of Exact Sciences
Classification: Uncertain significance for SEMA3A-related condition. Last evaluated: 2026-07-28. Review status: criteria provided, single submitter. Criteria: ACMG Guidelines, 2015. Collection method: clinical testing. Allele origin: germline.
Comment: The SEMA3A c.50C>T variant is predicted to result in the amino acid substitution p.Thr17Ile. To our knowledge, this variant has not been reported in the literature. This variant is reported in 0.046% of alleles in individuals of Latino descent in gnomAD, which may be too frequent to be a primary cause of disease. Although we suspect that this variant may be benign, at this time, the clinical significance of this variant is uncertain due to the absence of conclusive functional and genetic evidence.

GeneDx
Classification: Uncertain significance. Last evaluated: 2025-05-30. Review status: criteria provided, single submitter. Criteria: GeneDx Variant Classification Process June 2021. Collection method: clinical testing. Allele origin: germline. Affected: yes.
Comment: In silico analysis supports that this missense variant has a deleterious effect on protein structure/function; Has not been previously published as pathogenic or benign to our knowledge

NM_006080.3(SEMA3A):c.50C>T (p.Thr17Ile)

Gene: SEMA3A (semaphorin 3A; minus strand). Cytogenetic location: 7q21.11.
Variant type: single nucleotide variant.
Coding change: c.50C>T on transcript NM_006080.3 (MANE Select); coding-DNA position 50, C replaced by T.
Protein change: p.Thr17Ile; replaces threonine 17 with isoleucine.
Molecular consequence: missense variant.
Genome position (GRCh38, 1-based): chr7:84,194,537, G>A on the plus strand (C>T on the coding strand, the complement: SEMA3A is on the minus strand). VCF-style: chr7-84194537-G-A. GRCh37 (hg19) VCF-style: chr7-83823853-G-A.
Other names: short protein forms T17I.
Identifiers: ClinVar variation 2628811 (VCV002628811.4), dbSNP rs750492355, ClinGen allele CA4323131.